The following is an entry in ClinVar:

ClinVar aggregate classification (germline): Likely benign (1 of 4 stars; one submission).

Submission:

CeGaT Center for Human Genetics Tuebingen
Classification: Likely benign. Last evaluated: 2025-07-01. Review status: criteria provided, single submitter. Criteria: CeGaT Center For Human Genetics Tuebingen Variant Classification Criteria Version 2. Collection method: clinical testing. Allele origin: germline. Affected: yes. Observed: 1 variant allele.
Comment: C5: BS1

NM_001735.3(C5):c.1000+3_1000+4del

Gene: C5 (complement C5; minus strand). Cytogenetic location: 9q33.2.
Variant type: Deletion.
Coding change: c.1000+3_1000+4del on transcript NM_001735.3 (MANE Select); bases 3 to 4 of the intron after coding-DNA position 1000, 2 bases deleted (AA; older notation c.1000+3_1000+4delAA).
Molecular consequence: intron variant.
Genome position (GRCh38, 1-based): chr9:121,025,450-121,025,451, TT deleted on the plus strand (AA on the coding strand, the reverse complement: C5 is on the minus strand). VCF-style (leftmost placement, unchanged base first): chr9-121025449-CTT-C. GRCh37 (hg19) VCF-style: chr9-123787727-CTT-C.
Other names: c.1018+3_1018+4del (NM_001317163.2); c.1000+3_1000+4del (NM_001317164.2).
Identifiers: ClinVar variation 4084331 (VCV004084331.8).